The following is an entry in ClinVar:

ClinVar aggregate classification (germline): Pathogenic (1 of 4 stars; one submission).

Conditions:
BRCA2-related cancer predisposition. Identifiers: MedGen CN377758, MONDO:0700269.

Submission:

All of Us Research Program, National Institutes of Health
Classification: Pathogenic for BRCA2-related cancer predisposition. Last evaluated: 2024-04-25. Review status: criteria provided, single submitter. Criteria: ACMG Guidelines, 2015. Collection method: clinical testing. Allele origin: germline. Inheritance: Autosomal dominant inheritance. Observed: 1 variant allele, 1 heterozygote.
Comment: This variant deletes 1 nucleotide in exon 11 of the BRCA2 gene, creating a frameshift and premature translation stop signal. This variant is expected to result in an absent or non-functional protein product. To our knowledge, this variant has not been reported in individuals affected with BRCA2-related disorders in the literature. This variant has not been identified in the general population by the Genome Aggregation Database (gnomAD). Loss of BRCA2 function is a known mechanism of disease. Based on the available evidence, this variant is classified as Pathogenic.

This study involves interpretation of variants in research participants for the purpose of population health screening. Participant phenotype was not available at the time of variant classification. Additional details can be found in publication PMID: 35346344, PMCID: PMC8962531

NM_000059.4(BRCA2):c.3090del (p.Phe1031fs)

Gene: BRCA2 (BRCA2 DNA repair associated; plus strand). Cytogenetic location: 13q13.1.
Variant type: Deletion.
Coding change: c.3090del on transcript NM_000059.4 (MANE Select); coding-DNA position 3090, one base deleted (C; older notation c.3090delC).
Protein change: p.Phe1031fs; shifts the reading frame from phenylalanine 1031.
Molecular consequence: frameshift variant. On other transcripts: non-coding transcript variant (1), intron variant (2).
Genome position (GRCh38, 1-based): chr13:32,337,445, C deleted. VCF-style (leftmost placement, unchanged base first): chr13-32337444-TC-T. GRCh37 (hg19) VCF-style: chr13-32911581-TC-T.
Other names: c.3090del, p.Phe1031fs (NM_001406719.1, NM_001406720.1, NM_001432077.1); c.1909+4058del (NM_001406721.1); c.424+6415del (NM_001406722.1); short protein forms F1031fs.
Identifiers: ClinVar variation 3386239 (VCV003386239.1).